The following is an entry in ClinVar:

ClinVar aggregate classification (germline): Likely benign. Review status: criteria provided, multiple submitters, no conflicts (2 of 4 stars). 3 submissions from 3 submitters: Likely benign (2). 1 of the submissions does not count toward it. Last evaluated 2026-01-22.

Conditions:
MCPH1-related disorder. Also called: MCPH1-related condition.

Allele frequency attached by ClinVar (database versions not stated): gnomAD 0.00003.
gnomAD v4.1: 12 of 1,613,942 alleles (0.00074%); highest among the groups gnomAD compares: Non-Finnish European, 0.001%; no homozygotes.

Submissions (3):

Labcorp Genetics (formerly Invitae), Labcorp
Classification: Likely benign. Last evaluated: 2026-01-22. Review status: criteria provided, single submitter. Criteria: Invitae Variant Classification Sherloc (09022015). Collection method: clinical testing. Allele origin: germline.

CeGaT Center for Human Genetics Tuebingen
Classification: Likely benign. Last evaluated: 2024-07-01. Review status: criteria provided, single submitter. Criteria: CeGaT Center For Human Genetics Tuebingen Variant Classification Criteria Version 2. Collection method: clinical testing. Allele origin: germline. Affected: yes. Observed: 1 variant allele.
Comment: MCPH1: BP4, BP7

PreventionGenetics, part of Exact Sciences
Classification: Likely benign for MCPH1-related condition. Last evaluated: 2023-04-26. Review status: no assertion criteria provided. Collection method: clinical testing. Allele origin: germline. Not counted in ClinVar's aggregate classification.
Comment: This variant is classified as likely benign based on ACMG/AMP sequence variant interpretation guidelines (Richards et al. 2015 PMID: 25741868, with internal and published modifications).

NM_024596.5(MCPH1):c.1005C>A (p.Thr335=)

Gene: MCPH1 (microcephalin 1; plus strand). Cytogenetic location: 8p23.1.
Variant type: single nucleotide variant.
Coding change: c.1005C>A on transcript NM_024596.5 (MANE Select); coding-DNA position 1005, C replaced by A.
Protein change: p.Thr335=; no amino-acid change (threonine 335 retained).
Molecular consequence: synonymous variant. On other transcripts: non-coding transcript variant (1).
Genome position (GRCh38, 1-based): chr8:6,444,727, C>A. VCF-style: chr8-6444727-C-A. GRCh37 (hg19) VCF-style: chr8-6302248-C-A.
Other names: c.1005C>A (NM_001322042.1); c.1005C>A, p.Thr335= (NM_001172574.2, NM_001322042.2, NM_001363979.1 and 1 more transcripts); c.861C>A, p.Thr287= (NM_001172575.2); c.999C>A, p.Thr333= (NM_001322043.2); c.903C>A, p.Thr301= (NM_001322045.2).
Identifiers: ClinVar variation 796890 (VCV000796890.24), dbSNP rs755771006, ClinGen allele CA459600971.